The following is an entry in ClinVar:

NM_003500.4(ACOX2):c.1485C>T (p.Cys495=)

Gene: ACOX2 (acyl-CoA oxidase 2; minus strand). Cytogenetic location: 3p14.3.
Variant type: single nucleotide variant.
Coding change: c.1485C>T on transcript NM_003500.4 (MANE Select); coding-DNA position 1485, C replaced by T.
Protein change: p.Cys495=; no amino-acid change (cysteine 495 retained).
Molecular consequence: synonymous variant.
Genome position (GRCh38, 1-based): chr3:58,524,467, G>A on the plus strand (C>T on the coding strand, the complement: ACOX2 is on the minus strand). VCF-style: chr3-58524467-G-A. GRCh37 (hg19) VCF-style: chr3-58510194-G-A.
Identifiers: ClinVar variation 769606 (VCV000769606.10), dbSNP rs200510630, ClinGen allele CA2472057.

ClinVar aggregate classification (germline): Benign. Review status: criteria provided, single submitter (1 of 4 stars). 2 submissions from 2 submitters: Benign (1). 1 of the submissions does not count toward it. Last evaluated 2025-12-22.

Conditions:
ACOX2-related disorder. Also called: ACOX2-related condition.

Allele frequency attached by ClinVar (database versions not stated): gnomAD 0.00011; TOPMed 0.00028; gnomAD exomes 0.00034 and 0.00076; 1000 Genomes Project 30x 0.00047; ExAC 0.00060; 1000 Genomes Project 0.00040.
gnomAD v4.1: 223 of 1,613,002 alleles (0.014%); highest among the groups gnomAD compares: Admixed American, 0.37%; 1 homozygote.

Submissions (2):

Labcorp Genetics (formerly Invitae), Labcorp
Classification: Benign. Last evaluated: 2025-12-22. Review status: criteria provided, single submitter. Criteria: Invitae Variant Classification Sherloc (09022015). Collection method: clinical testing. Allele origin: germline.

PreventionGenetics, part of Exact Sciences
Classification: Likely benign for ACOX2-related condition. Last evaluated: 2019-11-06. Review status: no assertion criteria provided. Collection method: clinical testing. Allele origin: germline. Not counted in ClinVar's aggregate classification.
Comment: This variant is classified as likely benign based on ACMG/AMP sequence variant interpretation guidelines (Richards et al. 2015 PMID: 25741868, with internal and published modifications).